The following is an entry in ClinVar:

NM_006005.3(WFS1):c.1587C>G (p.Cys529Trp)

Gene: WFS1 (wolframin ER transmembrane glycoprotein; plus strand). Cytogenetic location: 4p16.1.
Variant type: single nucleotide variant.
Coding change: c.1587C>G on transcript NM_006005.3 (MANE Select); coding-DNA position 1587, C replaced by G.
Protein change: p.Cys529Trp; replaces cysteine 529 with tryptophan.
Molecular consequence: missense variant.
Genome position (GRCh38, 1-based): chr4:6,301,382, C>G. VCF-style: chr4-6301382-C-G. GRCh37 (hg19) VCF-style: chr4-6303109-C-G.
Other names: c.1587C>G, p.Cys529Trp (NM_001145853.1); short protein forms C529W.
Identifiers: ClinVar variation 2830264 (VCV002830264.3), dbSNP rs750717022, ClinGen allele CA2839413.
Genomic context (GRCh38, chr4:6,301,382, plus strand): 5'-CTACCTGCTCTATCTCTTCTTCCGCATGGCACAGCTGAGGAATTTCAAGGGCACCTACTG[C>G]TACCTTGTGCCCTACCTGGTGTGCTTCATGTGGTGTGAGCTCTCCGTGGTCATCCTGCTG-3'
Protein context (NP_005996.2, residues 519-539): AQLRNFKGTY[Cys529Trp]YLVPYLVCFM

ClinVar aggregate classification (germline): Uncertain significance (1 of 4 stars; one submission).

Allele frequency attached by ClinVar (database versions not stated): ExAC 0.00001.
gnomAD v4.1: 4 of 1,612,578 alleles (0.00025%); highest among the groups gnomAD compares: Admixed American, 0.0017%; no homozygotes.

Submission:

Labcorp Genetics (formerly Invitae), Labcorp
Classification: Uncertain significance. Last evaluated: 2023-01-19. Review status: criteria provided, single submitter. Criteria: Invitae Variant Classification Sherloc (09022015). Collection method: clinical testing. Allele origin: germline.
Comment: This sequence change replaces cysteine, which is neutral and slightly polar, with tryptophan, which is neutral and slightly polar, at codon 529 of the WFS1 protein (p.Cys529Trp). This variant is present in population databases (rs750717022, gnomAD 0.0009%). This variant has not been reported in the literature in individuals affected with WFS1-related conditions. Advanced modeling of protein sequence and biophysical properties (such as structural, functional, and spatial information, amino acid conservation, physicochemical variation, residue mobility, and thermodynamic stability) has been performed at Invitae for this missense variant, however the output from this modeling did not meet the statistical confidence thresholds required to predict the impact of this variant on WFS1 protein function. In summary, the available evidence is currently insufficient to determine the role of this variant in disease. Therefore, it has been classified as a Variant of Uncertain Significance.